The following is an entry in ClinVar:

ClinVar aggregate classification (germline): Conflicting classifications of pathogenicity. Review status: criteria provided, conflicting classifications (1 of 4 stars). 3 submissions from 3 submitters: Uncertain significance (1); Likely benign (2). Last evaluated 2025-06-25.

Conditions:
Spastic ataxia 2. Also called: Ataxia, spastic, 2, autosomal recessive. Identifiers: Orphanet 397946, MedGen C1969796, MONDO:0012651, OMIM 611302.
Hereditary spastic paraplegia. Also called: Familial spastic paraparesis. Identifiers: Orphanet 685, MedGen C0037773, MONDO:0019064. Disease mechanism: loss of function.

Allele frequency attached by ClinVar (database versions not stated): ESP Exome Variant Server 0.00008; gnomAD exomes 0.00009 and 0.00011; gnomAD 0.00016 and 0.00007; TOPMed 0.00017; ExAC 0.00007.
gnomAD v4.1: 182 of 1,613,420 alleles (0.011%); highest among the groups gnomAD compares: Non-Finnish European, 0.014%; no homozygotes.

Submissions (3):

Labcorp Genetics (formerly Invitae), Labcorp
Classification: Likely benign for Spastic ataxia 2. Last evaluated: 2025-06-25. Review status: criteria provided, single submitter. Criteria: Invitae Variant Classification Sherloc (09022015). Collection method: clinical testing. Allele origin: germline.

CeGaT Center for Human Genetics Tuebingen
Classification: Likely benign. Last evaluated: 2022-05-01. Review status: criteria provided, single submitter. Criteria: CeGaT Center For Human Genetics Tuebingen Variant Classification Criteria Version 2. Collection method: clinical testing. Allele origin: germline. Affected: yes. Observed: 1 variant allele.
Comment: KIF1C: BP4, BP7

Genome Diagnostics Laboratory, The Hospital for Sick Children
Classification: Uncertain significance for Hereditary spastic paraplegia. Last evaluated: 2016-12-12. Review status: criteria provided, single submitter. Criteria: ACMG Guidelines, 2015. Collection method: clinical testing. Allele origin: germline. Affected: yes.

NM_006612.6(KIF1C):c.1563C>T (p.Gly521=)

Gene: KIF1C (kinesin family member 1C; plus strand). Cytogenetic location: 17p13.2.
Variant type: single nucleotide variant.
Coding change: c.1563C>T on transcript NM_006612.6 (MANE Select); coding-DNA position 1563, C replaced by T.
Protein change: p.Gly521=; no amino-acid change (glycine 521 retained).
Molecular consequence: synonymous variant.
Genome position (GRCh38, 1-based): chr17:5,013,724, C>T. VCF-style: chr17-5013724-C-T. GRCh37 (hg19) VCF-style: chr17-4917019-C-T.
Identifiers: ClinVar variation 767121 (VCV000767121.36), dbSNP rs376123205, ClinGen allele CA8319029.